The following is an entry in ClinVar:

NM_005476.7(GNE):c.1412-2A>G

Gene: GNE (glucosamine (UDP-N-acetyl)-2-epimerase/N-acetylmannosamine kinase; minus strand). Cytogenetic location: 9p13.3.
Variant type: single nucleotide variant.
Coding change: c.1412-2A>G on transcript NM_005476.7 (MANE Select); the canonical splice acceptor site of the intron before coding-DNA position 1412, A replaced by G.
Molecular consequence: splice acceptor variant. On other transcripts: intron variant (1).
Genome position (GRCh38, 1-based): chr9:36,223,000, T>C on the plus strand (A>G on the coding strand, the complement: GNE is on the minus strand). VCF-style: chr9-36223000-T-C. GRCh37 (hg19) VCF-style: chr9-36222997-T-C.
Other names: c.1235-2A>G (NM_001190388.2, NM_001374798.1); c.1505-2A>G (NM_001128227.3); c.1082-2A>G (NM_001190384.3); c.1259-2A>G (NM_001374797.1); c.1411+373A>G (NM_001190383.3).
Identifiers: ClinVar variation 4068797 (VCV004068797.2).

ClinVar aggregate classification (germline): Likely pathogenic (1 of 4 stars; one submission).

Conditions:
GNE myopathy (NM). Also called: INCLUSION BODY MYOPATHY, HEREDITARY, AUTOSOMAL RECESSIVE; MYOPATHY, DISTAL, WITH OR WITHOUT RIMMED VACUOLES; INCLUSION BODY MYOPATHY 2, AUTOSOMAL RECESSIVE; IBM 2; Inclusion body myopathy autosomal recessive; Inclusion body myopathy quadriceps sparing. Identifiers: Orphanet 602, MedGen C1853926, MONDO:0011603, OMIM 605820.

Submission:

Natera, Inc.
Classification: Likely pathogenic for Nonaka myopathy. Last evaluated: 2025-03-06. Review status: criteria provided, single submitter. Criteria: Natera Variant Classification Schema (03/2026). Collection method: clinical testing. Allele origin: germline.
Comment: The c.1505-2A>G variant in GNE is a canonical splice acceptor site variant predicted to affect pre-mRNA splicing, which may result in an abnormal transcript and altered protein product. This variant is expected to result in nonsense mediated decay, truncation, or a dysfunctional protein product. This variant is rare in the general population with a frequency below the threshold expected for the associated phenotype(s). Given the available evidence, this variant is classified as Likely Pathogenic.